The following is an entry in ClinVar:

NM_007332.3(TRPA1):c.1952G>T (p.Cys651Phe)

Genes: MSC-AS1 (MSC antisense RNA 1; plus strand), TRPA1 (transient receptor potential cation channel subfamily A member 1; minus strand). Cytogenetic location: 8q21.11.
Variant type: single nucleotide variant.
Coding change: c.1952G>T on transcript NM_007332.3 (MANE Select); coding-DNA position 1952, G replaced by T.
Protein change: p.Cys651Phe; replaces cysteine 651 with phenylalanine.
Molecular consequence: missense variant.
Genome position (GRCh38, 1-based): chr8:72,047,161, C>A on the plus strand (G>T on the coding strand, the complement: TRPA1 is on the minus strand). VCF-style: chr8-72047161-C-A. GRCh37 (hg19) VCF-style: chr8-72959396-C-A.
Other names: short protein forms C651F.
Identifiers: ClinVar variation 1049822 (VCV001049822.1), dbSNP rs767859469, ClinGen allele CA4780712.

ClinVar aggregate classification (germline): Uncertain significance (0 of 4 stars; one submission).

Allele frequency attached by ClinVar (database versions not stated): ExAC 0.00001; gnomAD exomes 0.00001; gnomAD 0.00003 and 0.00004; TOPMed 0.00003.

Submission:

Department of Pathology and Laboratory Medicine, Sinai Health System
Classification: Uncertain significance. Review status: no assertion criteria provided. Collection method: clinical testing. Allele origin: unknown. Affected: yes. Study: The Canadian Open Genetics Repository (COGR).
Comment: The TRPA1 p.Cys651Phe variant was not identified in the literature nor was it identified in ClinVar or LOVD 3.0. The variant was identified in dbSNP (ID: rs767859469) and in control databases in 3 of 281522 chromosomes at a frequency of 0.00001066 (Genome Aggregation Database March 6, 2019, v2.1.1). The variant was observed in the following populations: African in 1 of 24670 chromosomes (freq: 0.000041) and European (non-Finnish) in 2 of 128618 chromosomes (freq: 0.000016), but was not observed in the Latino, Ashkenazi Jewish, East Asian, European (Finnish), South Asian, or other populations. The p.Cys651 residue is conserved in mammals but not in more distantly related organisms, and two out of five computational analyses (PolyPhen-2, SIFT, AlignGVGD, BLOSUM, MutationTaster) suggest that the variant may impact the protein; however, this information is not predictive enough to assume pathogenicity. The variant occurs outside of the splicing consensus sequence and in silico or computational prediction software programs (SpliceSiteFinder, MaxEntScan, NNSPLICE, GeneSplicer) do not predict a difference in splicing. In summary, based on the above information this variant meets our laboratory's criteria to be classified as variant of unknown significance.